The following is an entry in ClinVar:

ClinVar aggregate classification (germline): Likely benign (1 of 4 stars; one submission).

Conditions:
Non-acquired combined pituitary hormone deficiency with spine abnormalities (CPHD3). Also called: Winkelman Bethge Pfeiffer syndrome; WBP syndrome; Combined pituitary hormone deficiency type 3. Identifiers: Orphanet 231720, MedGen C3489787, MONDO:0009091, OMIM 221750.

Allele frequency attached by ClinVar (database versions not stated): gnomAD 0.00003 and 0.00064; TOPMed 0.00015; 1000 Genomes Project 30x 0.00375; 1000 Genomes Project 0.00459.
gnomAD v4.1: 1,252 of 1,438,396 alleles (0.087%); highest among the groups gnomAD compares: South Asian, 1.6%; 15 homozygotes.

Submission:

Illumina Laboratory Services, Illumina
Classification: Likely benign for Non-acquired combined pituitary hormone deficiency with spine abnormalities. Last evaluated: 2018-01-13. Review status: criteria provided, single submitter. Criteria: ICSL Variant Classification Criteria 13 December 2019. Collection method: clinical testing. Allele origin: germline.
Comment: This variant was observed in the ICSL laboratory as part of a predisposition screen in an ostensibly healthy population. It had not been previously curated by ICSL or reported in the Human Gene Mutation Database (HGMD: prior to June 1st, 2018), and was therefore a candidate for classification through an automated scoring system. Utilizing variant allele frequency, disease prevalence and penetrance estimates, and inheritance mode, an automated score was calculated to assess if this variant is too frequent to cause the disease. Based on the score and internal cut-off values, a variant classified as likely benign is not then subjected to further curation. The score for this variant resulted in a classification of likely benign for this disease.

NM_178138.6(LHX3):c.79+1814G>T

Gene: LHX3 (LIM homeobox 3; minus strand). Cytogenetic location: 9q34.3.
Variant type: single nucleotide variant.
Coding change: c.79+1814G>T on transcript NM_178138.6 (MANE Select); 1814 bases into the intron after coding-DNA position 79, G replaced by T.
Molecular consequence: intron variant. On other transcripts: 5 prime UTR variant (1).
Genome position (GRCh38, 1-based): chr9:136,203,120, C>A on the plus strand (G>T on the coding strand, the complement: LHX3 is on the minus strand). VCF-style: chr9-136203120-C-A. GRCh37 (hg19) VCF-style: chr9-139094966-C-A.
Other names: c.-81G>T (NM_014564.5).
Identifiers: ClinVar variation 365826 (VCV000365826.5), dbSNP rs569646536, ClinGen allele CA10626879.